The following is an entry in ClinVar:

ClinVar aggregate classification (germline): Uncertain significance (1 of 4 stars; one submission).

Conditions:
Familial cold autoinflammatory syndrome 2 (FCAS2). Identifiers: Orphanet 247868, MedGen C2673198, MONDO:0012724, OMIM 611762.

Allele frequency attached by ClinVar (database versions not stated): gnomAD exomes below 0.00001.

Submission:

Labcorp Genetics (formerly Invitae), Labcorp
Classification: Uncertain significance for Familial cold autoinflammatory syndrome 2. Last evaluated: 2022-06-04. Review status: criteria provided, single submitter. Criteria: Invitae Variant Classification Sherloc (09022015). Collection method: clinical testing. Allele origin: germline.
Comment: This sequence change replaces alanine, which is neutral and non-polar, with valine, which is neutral and non-polar, at codon 724 of the NLRP12 protein (p.Ala724Val). This variant is present in population databases (rs201136106, gnomAD 0.0009%). This variant has not been reported in the literature in individuals affected with NLRP12-related conditions. ClinVar contains an entry for this variant (Variation ID: 569082). Algorithms developed to predict the effect of missense changes on protein structure and function are either unavailable or do not agree on the potential impact of this missense change (SIFT: "Deleterious"; PolyPhen-2: "Possibly Damaging"; Align-GVGD: "Class C0"). In summary, the available evidence is currently insufficient to determine the role of this variant in disease. Therefore, it has been classified as a Variant of Uncertain Significance.

NM_144687.4(NLRP12):c.2171C>T (p.Ala724Val)

Gene: NLRP12 (NLR family pyrin domain containing 12; minus strand). Cytogenetic location: 19q13.42.
Variant type: single nucleotide variant.
Coding change: c.2171C>T on transcript NM_144687.4 (MANE Select); coding-DNA position 2171, C replaced by T.
Protein change: p.Ala724Val; replaces alanine 724 with valine.
Molecular consequence: missense variant.
Genome position (GRCh38, 1-based): chr19:53,807,567, G>A on the plus strand (C>T on the coding strand, the complement: NLRP12 is on the minus strand). VCF-style: chr19-53807567-G-A. GRCh37 (hg19) VCF-style: chr19-54310821-G-A.
Other names: c.2174C>T, p.Ala725Val (NM_001277126.2); c.2171C>T, p.Ala724Val (NM_001277129.1); short protein forms A724V, A725V.
Identifiers: ClinVar variation 569082 (VCV000569082.8), dbSNP rs201136106, ClinGen allele CA310067370.